The following is an entry in ClinVar:

ClinVar aggregate classification (germline): Uncertain significance. Review status: criteria provided, multiple submitters, no conflicts (2 of 4 stars). 5 submissions from 5 submitters: Uncertain significance (5). Last evaluated 2025-07-17.

Conditions:
Gorlin syndrome. Also called: Nevoid Basal Cell Carcinoma Syndrome; Basal cell nevus syndrome. Identifiers: Orphanet 377, MedGen C0004779, MONDO:0007187.
Medulloblastoma (MDB). Also called: MEDULLOBLASTOMA PREDISPOSITION SYNDROME; Medulloblastoma, somatic. Identifiers: Orphanet 616, MedGen C0025149, MeSH D008527, MONDO:0007959, OMIM 155255, HP:0002885.
Familial meningioma. Also called: Meningioma, familial, susceptibility to. Identifiers: Orphanet 263662, MedGen C3551915, MONDO:0011789, OMIM 607174.
Hereditary cancer-predisposing syndrome. Also called: Tumor predisposition; Neoplastic Syndromes, Hereditary; Hereditary Cancer Syndrome; Hereditary neoplastic syndrome. Identifiers: Orphanet 140162, MedGen C0027672, MeSH D009386, MONDO:0015356.

Allele frequency attached by ClinVar (database versions not stated): gnomAD exomes below 0.00001.
gnomAD v4.1: 1 of 1,613,736 alleles (0.000062%); highest among the groups gnomAD compares: Non-Finnish European, 0.000085%; no homozygotes.

Submissions (5):

Quest Diagnostics Nichols Institute San Juan Capistrano
Classification: Uncertain significance. Last evaluated: 2025-07-17. Review status: criteria provided, single submitter. Criteria: Quest Diagnostics criteria. Collection method: clinical testing. Allele origin: unknown.
Comment: The SUFU c.103C>T (p.His35Tyr) variant has not been reported in individuals with SUFU-related conditions in the published literature. It also has not been reported in large, multi-ethnic general populations (Genome Aggregation Database). Analysis of this variant using bioinformatics tools for the prediction of the effect of amino acid changes on protein structure and function yielded conflicting predictions that this variant is deleterious or benign. Based on the available information, we are unable to determine the clinical significance of this variant.

Labcorp Genetics (formerly Invitae), Labcorp
Classification: Uncertain significance for Gorlin syndrome; Medulloblastoma. Last evaluated: 2025-06-23. Review status: criteria provided, single submitter. Criteria: Invitae Variant Classification Sherloc (09022015). Collection method: clinical testing. Allele origin: germline.
Comment: This sequence change replaces histidine, which is basic and polar, with tyrosine, which is neutral and polar, at codon 35 of the SUFU protein (p.His35Tyr). This variant is not present in population databases (gnomAD no frequency). This variant has not been reported in the literature in individuals affected with SUFU-related conditions. ClinVar contains an entry for this variant (Variation ID: 1773688). Invitae Evidence Modeling of protein sequence and biophysical properties (such as structural, functional, and spatial information, amino acid conservation, physicochemical variation, residue mobility, and thermodynamic stability) indicates that this missense variant is not expected to disrupt SUFU protein function with a negative predictive value of 80%. In summary, the available evidence is currently insufficient to determine the role of this variant in disease. Therefore, it has been classified as a Variant of Uncertain Significance.

Ambry Genetics
Classification: Uncertain significance for Hereditary cancer-predisposing syndrome. Last evaluated: 2024-07-07. Review status: criteria provided, single submitter. Criteria: Ambry Variant Classification Scheme 2023. Collection method: clinical testing. Allele origin: germline.
Comment: The p.H35Y variant (also known as c.103C>T), located in coding exon 1 of the SUFU gene, results from a C to T substitution at nucleotide position 103. The histidine at codon 35 is replaced by tyrosine, an amino acid with similar properties. This amino acid position is conserved. In addition, the in silico prediction for this alteration is inconclusive. Since supporting evidence is limited at this time, the clinical significance of this alteration remains unclear.

Baylor Genetics
Classification: Uncertain significance for Familial meningioma. Last evaluated: 2023-06-28. Review status: criteria provided, single submitter. Criteria: ACMG Guidelines, 2015. Collection method: clinical testing. Allele origin: unknown.

GeneDx
Classification: Uncertain significance. Last evaluated: 2023-01-05. Review status: criteria provided, single submitter. Criteria: GeneDx Variant Classification Process June 2021. Collection method: clinical testing. Allele origin: germline. Affected: yes.
Comment: Not observed at significant frequency in large population cohorts (gnomAD); In silico analysis supports that this missense variant does not alter protein structure/function; Has not been previously published as pathogenic or benign to our knowledge; This variant is associated with the following publications: (PMID: 24311597)

NM_016169.4(SUFU):c.103C>T (p.His35Tyr)

Genes: SUFU (SUFU negative regulator of hedgehog signaling; plus strand), LOC130004614 (ATAC-STARR-seq lymphoblastoid silent region 2764; plus strand). Cytogenetic location: 10q24.32.
Variant type: single nucleotide variant.
Coding change: c.103C>T on transcript NM_016169.4 (MANE Select); coding-DNA position 103, C replaced by T.
Protein change: p.His35Tyr; replaces histidine 35 with tyrosine.
Molecular consequence: missense variant.
Genome position (GRCh38, 1-based): chr10:102,504,255, C>T. VCF-style: chr10-102504255-C-T. GRCh37 (hg19) VCF-style: chr10-104264012-C-T.
Other names: c.103C>T, p.His35Tyr (NM_001178133.2); short protein forms H35Y.
Identifiers: ClinVar variation 1773688 (VCV001773688.11), dbSNP rs2135598180, ClinGen allele CA377886474.